The following is an entry in ClinVar:

NM_007126.5(VCP):c.*153G>T

Gene: VCP (valosin containing protein; minus strand). Cytogenetic location: 9p13.3.
Variant type: single nucleotide variant.
Coding change: c.*153G>T on transcript NM_007126.5 (MANE Select); 153 bases downstream of the stop codon, G replaced by T.
Molecular consequence: 3 prime UTR variant.
Genome position (GRCh38, 1-based): chr9:35,056,964, C>A on the plus strand (G>T on the coding strand, the complement: VCP is on the minus strand). VCF-style: chr9-35056964-C-A. GRCh37 (hg19) VCF-style: chr9-35056961-C-A.
Other names: c.*153G>T (NM_001354927.2, NM_001354928.2).
Identifiers: ClinVar variation 366714 (VCV000366714.8), dbSNP rs1053318, ClinGen allele CA10633601.

ClinVar aggregate classification (germline): Benign. Review status: criteria provided, multiple submitters, no conflicts (2 of 4 stars). 4 submissions from 3 submitters: Benign (4). Last evaluated 2018-07-06.

Conditions:
Frontotemporal dementia and/or amyotrophic lateral sclerosis 6 (FTDALS6). Also called: VCP-Related Amyotrophic Lateral Sclerosis; VCP-Related Amyotrophic Lateral Sclerosis/Frontotemporal Dementia. Identifiers: Orphanet 275872, Orphanet 803, MedGen C5436279, MONDO:0013501, OMIM 613954.
Inclusion body myopathy with Paget disease of bone and frontotemporal dementia type 1. Also called: MULTISYSTEM PROTEINOPATHY 1; Inclusion body myopathy with early-onset Paget disease with or without frontotemporal dementia 1; Inclusion body myopathy with early-onset Paget disease and frontotemporal dementia 1. Identifiers: MedGen C4551951, MONDO:0008178, OMIM 167320.

Allele frequency attached by ClinVar (database versions not stated): 1000 Genomes Project 30x 0.18395; 1000 Genomes Project 0.18670; gnomAD 0.19091 and 0.19124; TOPMed 0.19575; gnomAD exomes 0.20062.
gnomAD v4.1: 151,677 of 761,896 alleles (20%); highest among the groups gnomAD compares: South Asian, 24%; 16,083 homozygotes.

Submissions (4):

GeneDx
Classification: Benign. Last evaluated: 2018-07-06. Review status: criteria provided, single submitter. Criteria: GeneDx Variant Classification Process June 2021. Collection method: clinical testing. Allele origin: germline. Affected: yes.

Illumina Laboratory Services, Illumina
Classification: Benign for Frontotemporal dementia and/or amyotrophic lateral sclerosis 6. Last evaluated: 2018-01-13. Review status: criteria provided, single submitter. Criteria: ICSL Variant Classification Criteria 13 December 2019. Collection method: clinical testing. Allele origin: germline.
Comment: This variant was observed in the ICSL laboratory as part of a predisposition screen in an ostensibly healthy population. It had not been previously curated by ICSL or reported in the Human Gene Mutation Database (HGMD: prior to June 1st, 2018), and was therefore a candidate for classification through an automated scoring system. Utilizing variant allele frequency, disease prevalence and penetrance estimates, and inheritance mode, an automated score was calculated to assess if this variant is too frequent to cause the disease. Based on the score and internal cut-off values, a variant classified as benign is not then subjected to further curation. The score for this variant resulted in a classification of benign for this disease.

Illumina Laboratory Services, Illumina
Classification: Benign for Inclusion body myopathy with Paget disease of bone and frontotemporal dementia type 1. Last evaluated: 2018-01-13. Review status: criteria provided, single submitter. Criteria: ICSL Variant Classification Criteria 13 December 2019. Collection method: clinical testing. Allele origin: germline.
Comment: the same text as in the submission from Illumina Laboratory Services, Illumina above.

Breakthrough Genomics
Classification: Benign. Review status: criteria provided, single submitter. Criteria: ACMG Guidelines, 2015. Collection method: not provided. Allele origin: germline. Inheritance: Autosomal dominant inheritance. Affected: yes.